The following is an entry in ClinVar:

ClinVar aggregate classification (germline): Uncertain significance (1 of 4 stars; one submission).

Allele frequency attached by ClinVar (database versions not stated): gnomAD exomes below 0.00001; ExAC 0.00001; gnomAD 0.00001; TOPMed 0.00001.
gnomAD v4.1: 3 of 1,593,618 alleles (0.00019%); highest among the groups gnomAD compares: Admixed American, 0.0055%; no homozygotes.

Submission:

Labcorp Genetics (formerly Invitae), Labcorp
Classification: Uncertain significance. Last evaluated: 2023-12-14. Review status: criteria provided, single submitter. Criteria: Invitae Variant Classification Sherloc (09022015). Collection method: clinical testing. Allele origin: germline.
Comment: This sequence change replaces threonine, which is neutral and polar, with isoleucine, which is neutral and non-polar, at codon 70 of the SPPL2A protein (p.Thr70Ile). This variant is present in population databases (rs765646636, gnomAD 0.007%). This variant has not been reported in the literature in individuals affected with SPPL2A-related conditions. An algorithm developed to predict the effect of missense changes on protein structure and function (PolyPhen-2) suggests that this variant is likely to be tolerated. In summary, the available evidence is currently insufficient to determine the role of this variant in disease. Therefore, it has been classified as a Variant of Uncertain Significance.

NM_032802.4(SPPL2A):c.209C>T (p.Thr70Ile)

Gene: SPPL2A (signal peptide peptidase like 2A; minus strand). Cytogenetic location: 15q21.2.
Variant type: single nucleotide variant.
Coding change: c.209C>T on transcript NM_032802.4 (MANE Select); coding-DNA position 209, C replaced by T.
Protein change: p.Thr70Ile; replaces threonine 70 with isoleucine.
Molecular consequence: missense variant.
Genome position (GRCh38, 1-based): chr15:50,748,839, G>A on the plus strand (C>T on the coding strand, the complement: SPPL2A is on the minus strand). VCF-style: chr15-50748839-G-A. GRCh37 (hg19) VCF-style: chr15-51041036-G-A.
Other names: short protein forms T70I.
Identifiers: ClinVar variation 2889341 (VCV002889341.3), dbSNP rs765646636, ClinGen allele CA7558547.